The following is an entry in ClinVar:

NM_000349.3(STAR):c.545G>A (p.Arg182His)

Gene: STAR (steroidogenic acute regulatory protein; minus strand). Cytogenetic location: 8p11.23.
Variant type: single nucleotide variant.
Coding change: c.545G>A on transcript NM_000349.3 (MANE Select); coding-DNA position 545, G replaced by A.
Protein change: p.Arg182His; replaces arginine 182 with histidine.
Molecular consequence: missense variant.
Genome position (GRCh38, 1-based): chr8:38,146,068, C>T on the plus strand (G>A on the coding strand, the complement: STAR is on the minus strand). VCF-style: chr8-38146068-C-T. GRCh37 (hg19) VCF-style: chr8-38003586-C-T.
Other names: short protein forms R182H.
Identifiers: ClinVar variation 8995 (VCV000008995.18), dbSNP rs104894086, ClinGen allele CA120041.

ClinVar aggregate classification (germline): Pathogenic. Review status: criteria provided, multiple submitters, no conflicts (2 of 4 stars). 10 submissions from 10 submitters: Pathogenic (8). 2 of the submissions do not count toward it. Last evaluated 2025-04-30.

Conditions:
STAR-related disorder. Also called: STAR-related condition.
Congenital lipoid adrenal hyperplasia due to STAR deficency. Also called: Cholesterol monooxygenase (side-chain cleaving) deficiency; Congenital Lipoid Adrenal Hyperplasia; Lipoid adrenal hyperplasia; ADRENAL HYPERPLASIA I. Identifiers: Orphanet 418, Orphanet 90790, MedGen C0342474, MONDO:0008725, OMIM 201710.

Allele frequency attached by ClinVar (database versions not stated): gnomAD exomes 0.00001.
gnomAD v4.1: 9 of 1,614,242 alleles (0.00056%); highest among the groups gnomAD compares: East Asian, 0.0022%; no homozygotes.

Submissions (10):

Natera, Inc.
Classification: Pathogenic for Congenital lipoid adrenal hyperplasia. Last evaluated: 2025-04-30. Review status: criteria provided, single submitter. Criteria: Natera Variant Classification Schema (03/2026). Collection method: clinical testing. Allele origin: germline.
Comment: The c.545G>A variant in STAR is a missense variant predicted to cause substitution of arginine to histidine at amino acid 182. This variant is rare in the general population with a frequency below the threshold expected for the associated phenotype(s). This variant has been observed in one or more individuals affected with the associated recessive disease, as either homozygous or compound heterozygous with a second variant (PMID: 28467518, 15546900). Given the available evidence, this variant is classified as Pathogenic.

Blueprint Genetics
Classification: Pathogenic for STAR-related disorders. Last evaluated: 2024-07-17. Review status: criteria provided, single submitter. Criteria: ACMG Guidelines, 2015. Collection method: clinical testing. Allele origin: germline. Affected: yes. Observed: 3 variant alleles.

Fulgent Genetics
Classification: Pathogenic for Congenital lipoid adrenal hyperplasia due to STAR deficency. Last evaluated: 2024-06-01. Review status: criteria provided, single submitter. Criteria: ACMG Guidelines, 2015. Collection method: clinical testing. Allele origin: germline.

GeneDx
Classification: Pathogenic. Last evaluated: 2024-01-04. Review status: criteria provided, single submitter. Criteria: GeneDx Variant Classification Process June 2021. Collection method: clinical testing. Allele origin: germline. Affected: yes.
Comment: Published functional studies demonstrate a damaging effect on protein activity (PMID: 17301050, 15546900); In silico analysis supports that this missense variant has a deleterious effect on protein structure/function; Not observed at significant frequency in large population cohorts (gnomAD); This variant is associated with the following publications: (PMID: 28780348, 17301050, 15546900, 33227378, 32784047, 28870780, 26523528, 21846663, 25883920, 11509019, 24904850, 22083155, 28637490, 22903695, 19245813, 15985476, 26827627, 28467518)

Labcorp Genetics (formerly Invitae), Labcorp
Classification: Pathogenic. Last evaluated: 2023-11-10. Review status: criteria provided, single submitter. Criteria: Invitae Variant Classification Sherloc (09022015). Collection method: clinical testing. Allele origin: germline.
Comment: This sequence change replaces arginine, which is basic and polar, with histidine, which is basic and polar, at codon 182 of the STAR protein (p.Arg182His). This variant is not present in population databases (gnomAD no frequency). This missense change has been observed in individuals with congenital lipoid adrenal hyperplasia (PMID: 11509019, 15546900). It has also been observed to segregate with disease in related individuals. ClinVar contains an entry for this variant (Variation ID: 8995). Advanced modeling of protein sequence and biophysical properties (such as structural, functional, and spatial information, amino acid conservation, physicochemical variation, residue mobility, and thermodynamic stability) performed at Invitae indicates that this missense variant is expected to disrupt STAR protein function with a positive predictive value of 80%. Experimental studies have shown that this missense change affects STAR function (PMID: 15546900). For these reasons, this variant has been classified as Pathogenic.

Revvity Omics, Revvity
Classification: Pathogenic for Congenital lipoid adrenal hyperplasia due to STAR deficency. Last evaluated: 2021-02-09. Review status: criteria provided, single submitter. Criteria: ACMG Guidelines, 2015. Collection method: clinical testing. Allele origin: germline.

Seattle Children's Hospital Molecular Genetics Laboratory, Seattle Children's Hospital
Classification: Pathogenic. Last evaluated: 2021-01-19. Review status: criteria provided, single submitter. Criteria: ACMG Guidelines, 2015. Collection method: clinical testing. Allele origin: germline. Affected: yes.
Comment: This is a recurrent pathogenic variant that has previously been reported in the homozygous state in multiple unrelated individuals with STaR deficiency (PMID: 15546900, PMID: 11509019, PMID: 26523528, PMID: 28870780). The c.545G>A variant is predicted to substitute the arginine at position 182 with histidine. The Arg182 is a highly conserved amino acid position within a critical functional domain (PMID: 11509019). Experimental studies have demonstrated that the p.Arg182His change impairs protein function (PMID: 15546900).

Athena Diagnostics
Classification: Pathogenic. Last evaluated: 2017-08-09. Review status: criteria provided, single submitter. Criteria: Athena Diagnostics Criteria. Collection method: clinical testing. Allele origin: germline.

Counsyl
Classification: Likely pathogenic for Congenital lipoid adrenal hyperplasia due to STAR deficency. Last evaluated: 2018-01-18. Review status: no assertion criteria provided. Collection method: clinical testing. Allele origin: unknown. Not counted in ClinVar's aggregate classification.

OMIM
Classification: Pathogenic for LIPOID CONGENITAL ADRENAL HYPERPLASIA. Last evaluated: 2005-02-01. Review status: no assertion criteria provided. Collection method: literature only. Allele origin: germline. Not counted in ClinVar's aggregate classification.

Literature cited by the submitters: PubMed 28467518 (cited by Natera, Inc.); PubMed 15546900 (cited by 5 submitters); PubMed 11509019 (cited by 3 submitters); PubMed 26523528 (cited by Athena Diagnostics and Counsyl); PubMed 21846663 (cited by Athena Diagnostics); PubMed 26827627 (cited by Athena Diagnostics); PubMed 21164258 (cited by Athena Diagnostics); PubMed 22903695 (cited by Athena Diagnostics); PubMed 28637490 (cited by Athena Diagnostics); PubMed 22083155 (cited by Athena Diagnostics); PubMed 24904850 (cited by Athena Diagnostics); PubMed 12725533 (cited by Athena Diagnostics); PubMed 25883920 (cited by Athena Diagnostics); PubMed 16103714 (cited by Athena Diagnostics); PubMed 19245813 (cited by Athena Diagnostics); PubMed 15985476 (cited by Athena Diagnostics); PubMed 17301050 (cited by Athena Diagnostics and Counsyl).